The following is an entry in ClinVar:

NM_004385.5(VCAN):c.6712A>G (p.Lys2238Glu)

Genes: VCAN (versican; plus strand), VCAN-AS1 (VCAN antisense RNA 1; minus strand). Cytogenetic location: 5q14.3.
Variant type: single nucleotide variant.
Coding change: c.6712A>G on transcript NM_004385.5 (MANE Select); coding-DNA position 6712, A replaced by G.
Protein change: p.Lys2238Glu; replaces lysine 2238 with glutamic acid.
Molecular consequence: missense variant. On other transcripts: intron variant (2).
Genome position (GRCh38, 1-based): chr5:83,539,715, A>G. VCF-style: chr5-83539715-A-G. GRCh37 (hg19) VCF-style: chr5-82835534-A-G.
Other names: c.3751A>G, p.Lys1251Glu (NM_001164097.2); c.4004-5822A>G (NM_001164098.2); c.1043-5822A>G (NM_001126336.3); short protein forms K1251E, K2238E.
Identifiers: ClinVar variation 1520866 (VCV001520866.8), dbSNP rs1746887440, ClinGen allele CA360313173.
Genomic context (GRCh38, chr5:83,539,715, plus strand): 5'-GCTGAACATGTAGTCACAGATTCACCAATCAAAAAGGAAGAAAGTACAAAACATTTTCCG[A>G]AAGGCATGAGACCAACAATTCAAGAGTCAGATACTGAGCTCTTATTCTCTGGACTGGGAT-3'
Protein context (NP_004376.2, residues 2228-2248): KKEESTKHFP[Lys2238Glu]GMRPTIQESD

ClinVar aggregate classification (germline): Uncertain significance (1 of 4 stars; one submission).

Allele frequency attached by ClinVar (database versions not stated): gnomAD exomes 0.00001.
gnomAD v4.1: 7 of 1,613,736 alleles (0.00043%); highest among the groups gnomAD compares: Non-Finnish European, 0.00059%; no homozygotes.

Submission:

Labcorp Genetics (formerly Invitae), Labcorp
Classification: Uncertain significance. Last evaluated: 2021-03-28. Review status: criteria provided, single submitter. Criteria: Invitae Variant Classification Sherloc (09022015). Collection method: clinical testing. Allele origin: germline.
Comment: In summary, the available evidence is currently insufficient to determine the role of this variant in disease. Therefore, it has been classified as a Variant of Uncertain Significance. Algorithms developed to predict the effect of missense changes on protein structure and function output the following: SIFT: "Tolerated"; PolyPhen-2: "Benign"; Align-GVGD: "Class C0". The glutamic acid amino acid residue is found in multiple mammalian species, suggesting that this missense change does not adversely affect protein function. These predictions have not been confirmed by published functional studies and their clinical significance is uncertain. This variant has not been reported in the literature in individuals with VCAN-related conditions. This variant is not present in population databases (ExAC no frequency). This sequence change replaces lysine with glutamic acid at codon 2238 of the VCAN protein (p.Lys2238Glu). The lysine residue is highly conserved and there is a small physicochemical difference between lysine and glutamic acid.